The following is an entry in ClinVar:

NM_000540.3(RYR1):c.7804G>A (p.Val2602Ile)

Gene: RYR1 (ryanodine receptor 1; plus strand). Cytogenetic location: 19q13.2.
Variant type: single nucleotide variant.
Coding change: c.7804G>A on transcript NM_000540.3 (MANE Select); coding-DNA position 7804, G replaced by A.
Protein change: p.Val2602Ile; replaces valine 2602 with isoleucine.
Molecular consequence: missense variant.
Genome position (GRCh38, 1-based): chr19:38,502,696, G>A. VCF-style: chr19-38502696-G-A. GRCh37 (hg19) VCF-style: chr19-38993336-G-A.
Other names: c.7804G>A, p.Val2602Ile (NM_001042723.2); short protein forms V2602I.
Identifiers: ClinVar variation 3075374 (VCV003075374.1), dbSNP rs751048059, ClinGen allele CA070309.

ClinVar aggregate classification (germline): Uncertain significance (1 of 4 stars; one submission).

Conditions:
Malignant hyperthermia, susceptibility to, 1 (MHS1). Also called: Anesthesia related hyperthermia; Malignant hyperpyrexia; Fulminating hyperpyrexia; Pharmacogenic myopathy; RYR1-Related Malignant Hyperthermia Susceptibility; Malignant hyperthermia suceptibility 1. Identifiers: Orphanet 423, MedGen C2930980, MONDO:0007783, OMIM 145600.

Allele frequency attached by ClinVar (database versions not stated): ExAC 0.00001; gnomAD 0.00001; TOPMed 0.00001.
gnomAD v4.1: 5 of 1,604,734 alleles (0.00031%); highest among the groups gnomAD compares: South Asian, 0.0011%; no homozygotes.

Submission:

All of Us Research Program, National Institutes of Health
Classification: Uncertain significance for Malignant hyperthermia, susceptibility to, 1. Last evaluated: 2024-01-11. Review status: criteria provided, single submitter. Criteria: ACMG Guidelines, 2015. Collection method: clinical testing. Allele origin: germline. Inheritance: Autosomal dominant inheritance. Observed: 1 variant allele, 1 heterozygote.
Comment: This study involves interpretation of variants in research participants for the purpose of population health screening. Participant phenotype was not available at the time of variant classification. Additional details can be found in publication PMID: 35346344, PMCID: PMC8962531